The following is an entry in ClinVar:

NM_001009899.4(USF3):c.2701C>T (p.His901Tyr)

Gene: USF3 (upstream transcription factor family member 3; minus strand). Cytogenetic location: 3q13.2.
Variant type: single nucleotide variant.
Coding change: c.2701C>T on transcript NM_001009899.4 (MANE Select); coding-DNA position 2701, C replaced by T.
Protein change: p.His901Tyr; replaces histidine 901 with tyrosine.
Molecular consequence: missense variant.
Genome position (GRCh38, 1-based): chr3:113,658,981, G>A on the plus strand (C>T on the coding strand, the complement: USF3 is on the minus strand). VCF-style: chr3-113658981-G-A. GRCh37 (hg19) VCF-style: chr3-113377828-G-A.
Other names: short protein forms H901Y.
Identifiers: ClinVar variation 3388315 (VCV003388315.14).
Genomic context (GRCh38, chr3:113,658,981, plus strand): 5'-ATGTCTCTTGTTGTAGATTAGGGGTAGAATCTTTGGATTTTGCTGCGGCCATTGCAAAAT[G>A]TTCACTTGTTACAGATTCTTGGGAGGGTGGGCTGGACTTTTCTGCTGACTTAGATTTCGA-3'
Protein context (NP_001009899.3, residues 891-911): PPSQESVTSE[His901Tyr]FAMAAAKSKD

ClinVar aggregate classification (germline): Likely benign (1 of 4 stars; one submission).

gnomAD v4.1: 1,598 of 1,614,140 alleles (0.099%); highest among the groups gnomAD compares: South Asian, 0.12%; 4 homozygotes.

Submission:

CeGaT Center for Human Genetics Tuebingen
Classification: Likely benign. Last evaluated: 2024-10-01. Review status: criteria provided, single submitter. Criteria: CeGaT Center For Human Genetics Tuebingen Variant Classification Criteria Version 2. Collection method: clinical testing. Allele origin: germline. Affected: yes. Observed: 1 variant allele.
Comment: USF3: BP4, BS1